The following is an entry in ClinVar:

NM_001164508.2(NEB):c.12639+1G>A

Gene: NEB (nebulin; minus strand). Cytogenetic location: 2q23.3.
Variant type: single nucleotide variant.
Coding change: c.12639+1G>A on transcript NM_001164508.2 (MANE Select); the canonical splice donor site of the intron after coding-DNA position 12639, G replaced by A.
Molecular consequence: splice donor variant. On other transcripts: intron variant (1).
Genome position (GRCh38, 1-based): chr2:151,607,503, C>T on the plus strand (G>A on the coding strand, the complement: NEB is on the minus strand). VCF-style: chr2-151607503-C-T. GRCh37 (hg19) VCF-style: chr2-152464017-C-T.
Other names: c.11601+2306G>A (NM_004543.5); c.12639+1G>A (NM_001164507.2, NM_001271208.2).
Identifiers: ClinVar variation 845691 (VCV000845691.11), dbSNP rs2097758221, ClinGen allele CA348774681.

ClinVar aggregate classification (germline): Pathogenic. Review status: criteria provided, multiple submitters, no conflicts (2 of 4 stars). 2 submissions from 2 submitters: Pathogenic (2). Last evaluated 2026-01-18.

Conditions:
Nemaline myopathy 2 (NEM2). Also called: Nemaline myopathy 2, autosomal recessive. Identifiers: MedGen C1850569, MONDO:0009725, OMIM 256030.
Arthrogryposis multiplex congenita 6. Identifiers: MedGen C5543431, MONDO:0030281, OMIM 619334.

Allele frequency attached by ClinVar (database versions not stated): gnomAD exomes below 0.00001.
gnomAD v4.1: 1 of 510,870 alleles (0.0002%); highest among the groups gnomAD compares: South Asian, 0.0018%; no homozygotes.

Submissions (2):

Labcorp Genetics (formerly Invitae), Labcorp
Classification: Pathogenic for Nemaline myopathy 2. Last evaluated: 2026-01-18. Review status: criteria provided, single submitter. Criteria: Invitae Variant Classification Sherloc (09022015). Collection method: clinical testing. Allele origin: germline.
Comment: This variant occurs in a region of NEB (Exons 82-105) consisting of three highly homologous 8-exon repeat units (exons 82-89, exons 90-97, exons 98-105). Sequence variants in this region can be detected, but this assay cannot determine which of the three repeat units is affected, and zygosity is often ambiguous. All variants in this region are reported relative to the exon 82-89 repeat. This sequence change affects a donor splice site in intron 83 of the NEB gene. It is expected to disrupt RNA splicing. Variants that disrupt the donor or acceptor splice site typically lead to a loss of protein function (PMID: 16199547), and loss-of-function variants in NEB are known to be pathogenic (PMID: 25205138). The frequency data for this variant in the population databases (gnomAD) is considered unreliable due to the presence of homologous sequence, such as pseudogenes or paralogs, in the genome. Disruption of this splice site has been observed in individual(s) with a NEB-related disease (PMID: 25205138). In at least one individual the data is consistent with being in trans (on the opposite chromosome) from a pathogenic variant. ClinVar contains an entry for this variant (Variation ID: 845691). Algorithms developed to predict the effect of sequence changes on RNA splicing suggest that this variant may disrupt the consensus splice site. For these reasons, this variant has been classified as Pathogenic.

Baylor Genetics
Classification: Pathogenic for Arthrogryposis multiplex congenita 6. Last evaluated: 2022-05-25. Review status: criteria provided, single submitter. Criteria: ACMG Guidelines, 2015. Collection method: clinical testing. Allele origin: unknown.

Literature cited by the submitters: PubMed 16199547 (cited by Labcorp Genetics (formerly Invitae), Labcorp); PubMed 25205138 (cited by Labcorp Genetics (formerly Invitae), Labcorp).